The following is an entry in ClinVar:

ClinVar aggregate classification (germline): Pathogenic/Likely pathogenic. Review status: criteria provided, multiple submitters, no conflicts (2 of 4 stars). 9 submissions from 9 submitters: Pathogenic (7); Likely pathogenic (1). 1 of the submissions does not count toward it. Last evaluated 2025-11-26.

Conditions:
Kabuki syndrome 1 (KABUK1). Also called: KMT2D-Related Kabuki Syndrome. Identifiers: Orphanet 2322, MedGen CN030661, MONDO:0007843, OMIM 147920.

Submissions (9):

GeneDx
Classification: Pathogenic. Last evaluated: 2025-11-26. Review status: criteria provided, single submitter. Criteria: GeneDx Variant Classification Process June 2021. Collection method: clinical testing. Allele origin: germline. Affected: yes.
Comment: Identified in multiple individuals with a clinical diagnosis of Kabuki syndrome referred for genetic testing at GeneDx and in the published literature (PMID: 22126750, 30107592); Identified in the mosaic state in an individual with dysmorphic facial features, borderline intellectual disability, and emotional dysregulation (PMID: 29283410); Nonsense variant predicted to result in protein truncation or nonsense mediated decay in a gene for which loss of function is a known mechanism of disease; Not observed at significant frequency in large population cohorts (gnomAD); This variant is associated with the following publications: (PMID: 32109418, 38528056, 30107592, 29536651, 35904121, Cheon (2022)_ article, 39033378, 22126750, 29283410)

Broad Center for Mendelian Genomics, Broad Institute of MIT and Harvard
Classification: Pathogenic for Kabuki syndrome 1. Last evaluated: 2024-03-13. Review status: criteria provided, single submitter. Criteria: ACMG Guidelines, 2015. Collection method: curation. Allele origin: germline. Inheritance: Autosomal dominant inheritance.
Comment: Trio genome analysis showed this variant to be de novo. We believe this is a possible phenotype expansion for Kabuki syndrome 1. The p.Arg5021Ter variant in KMT2D has been previously reported in 5 unrelated individuals with Kabuki syndrome 1 (PMID: 29304373, PMID: 29283410, PMID: 30107592, PMID: 29536651, PMID: 22126750). The number of reported affected individuals with this variant is greater than expected compared to non-affected individuals with this variant. This variant has also been reported in ClinVar (Variation ID: 158734) and has been interpreted as pathogenic or likely pathogenic by multiple submitters. This variant was absent from large population studies. This nonsense variant leads to a premature termination codon at position 5021, which is predicted to lead to a truncated or absent protein. Heterozygous loss of function of the KMT2D gene is an established disease mechanism in Kabuki syndrome 1. In summary, this variant meets criteria to be classified as pathogenic for autosomal dominant Kabuki syndrome 1. ACMG/AMP Criteria applied: PVS1, PS2_Supporting, PS4, PM2_Supporting (Richards 2015).

CeGaT Center for Human Genetics Tuebingen
Classification: Pathogenic. Last evaluated: 2024-02-01. Review status: criteria provided, single submitter. Criteria: CeGaT Center For Human Genetics Tuebingen Variant Classification Criteria Version 2. Collection method: clinical testing. Allele origin: germline. Affected: yes. Observed: 1 variant allele.
Comment: KMT2D: PVS1, PM2, PS4:Supporting

Victorian Clinical Genetics Services, Murdoch Childrens Research Institute
Classification: Pathogenic for Kabuki syndrome 1. Last evaluated: 2023-07-17. Review status: criteria provided, single submitter. Criteria: ACMG Guidelines, 2015. Collection method: clinical testing. Allele origin: germline. Inheritance: Autosomal dominant inheritance. Affected: yes.
Comment: Based on the classification scheme VCGS_Germline_v1.3.4, this variant is classified as Pathogenic. Following criteria are met: 0102 - Loss of function is a known mechanism of disease in this gene and is associated with Kabuki syndrome 1 (MIM#147920). (I) 0107 - This gene is associated with autosomal dominant disease. (I) 0115 - Variants in this gene are known to have variable expressivity (PMID: 21882399). (I) 0201 - Variant is predicted to cause nonsense-mediated decay (NMD) and loss of protein (premature termination codon is located at least 54 nucleotides upstream of the final exon-exon junction). (SP) 0251 - This variant is heterozygous. (I) 0301 - Variant is absent from gnomAD (both v2 and v3). (SP) 0701 - Other NMD predicted variants comparable to the one identified in this case have very strong previous evidence for pathogenicity (DECIPHER). (SP) 0801 - This variant has strong previous evidence of pathogenicity in unrelated individuals. This variant has been classified as pathogenic or likely pathogenic by multiple clinical laboratories in ClinVar, and has been observed in individuals with Kabuki syndrome in the literature (PMID: 30107592). (SP) Legend: (SP) - Supporting pathogenic, (I) - Information, (SB) - Supporting benign

Mendelics
Classification: Pathogenic for Kabuki syndrome 1. Last evaluated: 2019-05-28. Review status: criteria provided, single submitter. Criteria: Mendelics Assertion Criteria 2017. Collection method: clinical testing. Allele origin: unknown.

Center for Human Genetics, Inc
Classification: Likely pathogenic for Kabuki syndrome 1. Last evaluated: 2016-11-01. Review status: criteria provided, single submitter. Criteria: ACMG Guidelines, 2015. Collection method: clinical testing. Allele origin: germline. Affected: yes.

Eurofins Ntd Llc (ga)
Classification: Pathogenic. Last evaluated: 2014-01-02. Review status: criteria provided, single submitter. Criteria: EGL Classification Definitions. Collection method: clinical testing. Allele origin: germline. Observed: 1 variant allele, 1 heterozygote.

Genetic Services Laboratory, University of Chicago
Classification: Pathogenic for Kabuki syndrome 1. Last evaluated: 2013-08-14. Review status: criteria provided, single submitter. Criteria: ACMG Guidelines, 2007. Collection method: clinical testing. Allele origin: germline. Inheritance: Autosomal dominant inheritance. Affected: yes.

Autoinflammatory diseases unit, CHU de Montpellier
Classification: Pathogenic for Kabuki syndrome 1. Last evaluated: 2016-09-20. Review status: no assertion criteria provided. Collection method: clinical testing. Allele origin: de novo. Affected: yes. Not counted in ClinVar's aggregate classification.

Literature cited by the submitters: PubMed 39033378 (cited by Broad Center for Mendelian Genomics, Broad Institute of MIT and Harvard); PubMed 21882399 (cited by Victorian Clinical Genetics Services, Murdoch Childrens Research Institute); PubMed 30107592 (cited by Victorian Clinical Genetics Services, Murdoch Childrens Research Institute).

NM_003482.4(KMT2D):c.15061C>T (p.Arg5021Ter)

Gene: KMT2D (lysine methyltransferase 2D; minus strand). Cytogenetic location: 12q13.12.
Variant type: single nucleotide variant.
Coding change: c.15061C>T on transcript NM_003482.4 (MANE Select); coding-DNA position 15061, C replaced by T.
Protein change: p.Arg5021Ter; replaces arginine 5021 with a stop codon.
Molecular consequence: nonsense.
Genome position (GRCh38, 1-based): chr12:49,026,905, G>A on the plus strand (C>T on the coding strand, the complement: KMT2D is on the minus strand). VCF-style: chr12-49026905-G-A. GRCh37 (hg19) VCF-style: chr12-49420688-G-A.
Other names: NM_003482.4(KMT2D):c.15061C>T; p.Arg5021Ter; short protein forms R5021*.
Identifiers: ClinVar variation 158734 (VCV000158734.40), dbSNP rs587783695, ClinGen allele CA234164.